The following is an entry in ClinVar:

ClinVar aggregate classification (germline): Uncertain significance. Review status: criteria provided, multiple submitters, no conflicts (2 of 4 stars). 3 submissions from 3 submitters: Uncertain significance (3). Last evaluated 2023-05-04.

Conditions:
Luscan-Lumish syndrome. Identifiers: Orphanet 597738, MedGen C4085873, MONDO:0014791, OMIM 616831.

Allele frequency attached by ClinVar (database versions not stated): gnomAD exomes below 0.00001.
gnomAD v4.1: 1 of 1,551,954 alleles (0.000064%); highest among the groups gnomAD compares: Non-Finnish European, 0.000087%; no homozygotes.

Submissions (3):

GeneDx
Classification: Uncertain significance. Last evaluated: 2023-05-04. Review status: criteria provided, single submitter. Criteria: GeneDx Variant Classification Process June 2021. Collection method: clinical testing. Allele origin: germline. Affected: yes.
Comment: In silico analysis supports that this missense variant has a deleterious effect on protein structure/function; Has not been previously published as pathogenic or benign to our knowledge

Genome-Nilou Lab
Classification: Uncertain significance for Luscan-Lumish syndrome. Last evaluated: 2022-03-15. Review status: criteria provided, single submitter. Criteria: ACMG Guidelines, 2015. Collection method: clinical testing. Allele origin: germline. Affected: no.

Labcorp Genetics (formerly Invitae), Labcorp
Classification: Uncertain significance for Luscan-Lumish syndrome. Last evaluated: 2020-06-26. Review status: criteria provided, single submitter. Criteria: Invitae Variant Classification Sherloc (09022015). Collection method: clinical testing. Allele origin: germline.
Comment: In summary, the available evidence is currently insufficient to determine the role of this variant in disease. Therefore, it has been classified as a Variant of Uncertain Significance. Algorithms developed to predict the effect of missense changes on protein structure and function are either unavailable or do not agree on the potential impact of this missense change (SIFT: "Deleterious"; PolyPhen-2: "Probably Damaging"; Align-GVGD: "Class C0"). This variant has not been reported in the literature in individuals with SETD2-related conditions. This variant is not present in population databases (ExAC no frequency). This sequence change replaces arginine with glutamine at codon 70 of the SETD2 protein (p.Arg70Gln). The arginine residue is moderately conserved and there is a small physicochemical difference between arginine and glutamine.

NM_014159.7(SETD2):c.209G>A (p.Arg70Gln)

Gene: SETD2 (SET domain containing 2, histone lysine methyltransferase; minus strand). Cytogenetic location: 3p21.31.
Variant type: single nucleotide variant.
Coding change: c.209G>A on transcript NM_014159.7 (MANE Select); coding-DNA position 209, G replaced by A.
Protein change: p.Arg70Gln; replaces arginine 70 with glutamine.
Molecular consequence: missense variant. On other transcripts: non-coding transcript variant (1).
Genome position (GRCh38, 1-based): chr3:47,124,427, C>T on the plus strand (G>A on the coding strand, the complement: SETD2 is on the minus strand). VCF-style: chr3-47124427-C-T. GRCh37 (hg19) VCF-style: chr3-47165917-C-T.
Other names: c.77G>A, p.Arg26Gln (NM_001349370.3); short protein forms R26Q, R70Q.
Identifiers: ClinVar variation 1013709 (VCV001013709.9), dbSNP rs2043244124, ClinGen allele CA352538191.